The following is an entry in ClinVar:

NM_000535.7(PMS2):c.2303T>A (p.Ile768Asn)

Gene: PMS2 (PMS1 homolog 2, mismatch repair system component; minus strand). Cytogenetic location: 7p22.1.
Variant type: single nucleotide variant.
Coding change: c.2303T>A on transcript NM_000535.7 (MANE Select); coding-DNA position 2303, T replaced by A.
Protein change: p.Ile768Asn; replaces isoleucine 768 with asparagine.
Molecular consequence: missense variant.
Genome position (GRCh38, 1-based): chr7:5,977,730, A>T on the plus strand (T>A on the coding strand, the complement: PMS2 is on the minus strand). VCF-style: chr7-5977730-A-T. GRCh37 (hg19) VCF-style: chr7-6017361-A-T.
Other names: c.1898T>A, p.Ile633Asn (NM_001322003.2, NM_001322004.2, NM_001322005.2); c.2147T>A, p.Ile716Asn (NM_001322006.2); c.1985T>A, p.Ile662Asn (NM_001322007.2, NM_001322008.2); c.1931T>A, p.Ile644Asn (NM_001322009.2); c.1742T>A, p.Ile581Asn (NM_001322010.2); c.1370T>A, p.Ile457Asn (NM_001322011.2, NM_001322012.2); c.1730T>A, p.Ile577Asn (NM_001322013.2); c.2336T>A, p.Ile779Asn (NM_001322014.2); and 1 more; short protein forms I577N, I633N, I779N, I662N, I457N, I644N, I768N, I581N.
Identifiers: ClinVar variation 821004 (VCV000821004.4), dbSNP rs1583281424, ClinGen allele CA366736077.
Genomic context (GRCh38, chr7:5,977,730, plus strand): 5'-AAGATCAGTTCATCGACGTCCTGGGGTCCGAAGGTCCAGTTTTTACTAGTTGGCAAGGAA[A>T]TCAGTTTAGCCCTTTCAGTGACTGGAGCTAAAAGAATACAATTTTGAGAAAAATCCATGA-3'
Protein context (NP_000526.2, residues 758-778): NAPVTERAKL[Ile768Asn]SLPTSKNWTF

ClinVar aggregate classification (germline): Uncertain significance (1 of 4 stars; one submission).

Conditions:
Hereditary cancer-predisposing syndrome. Also called: Neoplastic Syndromes, Hereditary; Tumor predisposition; Hereditary Cancer Syndrome; Hereditary neoplastic syndrome. Identifiers: Orphanet 140162, MedGen C0027672, MeSH D009386, MONDO:0015356.

Submission:

Ambry Genetics
Classification: Uncertain significance for Hereditary cancer-predisposing syndrome. Last evaluated: 2019-08-06. Review status: criteria provided, single submitter. Criteria: Ambry Variant Classification Scheme 2023. Collection method: clinical testing. Allele origin: germline.
Comment: The p.I768N variant (also known as c.2303T>A), located in coding exon 14 of the PMS2 gene, results from a T to A substitution at nucleotide position 2303. The isoleucine at codon 768 is replaced by asparagine, an amino acid with dissimilar properties. This amino acid position is poorly conserved in available vertebrate species. In addition, the in silico prediction for this alteration is inconclusive. Since supporting evidence is limited at this time, the clinical significance of this alteration remains unclear.